The following is an entry in ClinVar:

NM_004260.4(RECQL4):c.1484-11G>A

Gene: RECQL4 (RecQ like helicase 4; minus strand). Cytogenetic location: 8q24.3.
Variant type: single nucleotide variant.
Coding change: c.1484-11G>A on transcript NM_004260.4 (MANE Select); 11 bases into the intron before coding-DNA position 1484, G replaced by A.
Molecular consequence: intron variant.
Genome position (GRCh38, 1-based): chr8:144,515,083, C>T on the plus strand (G>A on the coding strand, the complement: RECQL4 is on the minus strand). VCF-style: chr8-144515083-C-T. GRCh37 (hg19) VCF-style: chr8-145740467-C-T.
Identifiers: ClinVar variation 1627390 (VCV001627390.10), dbSNP rs376242705, ClinGen allele CA4948833.

ClinVar aggregate classification (germline): Conflicting classifications of pathogenicity. Review status: criteria provided, conflicting classifications (1 of 4 stars). 3 submissions from 3 submitters: Uncertain significance (1); Likely benign (2). Last evaluated 2026-01-10.

Conditions:
Hereditary cancer-predisposing syndrome. Also called: Neoplastic Syndromes, Hereditary; Hereditary neoplastic syndrome; Tumor predisposition; Hereditary Cancer Syndrome. Identifiers: Orphanet 140162, MedGen C0027672, MeSH D009386, MONDO:0015356.
Baller-Gerold syndrome (BGS). Also called: CRANIOSYNOSTOSIS WITH RADIAL DEFECTS. Identifiers: Orphanet 1225, MedGen C0265308, MONDO:0009039, OMIM 218600.

Allele frequency attached by ClinVar (database versions not stated): gnomAD 0.00001; TOPMed 0.00001; ESP Exome Variant Server 0.00008; 1000 Genomes Project 0.00020; 1000 Genomes Project 30x 0.00031.
gnomAD v4.1: 40 of 1,599,672 alleles (0.0025%); highest among the groups gnomAD compares: Middle Eastern, 0.017%; no homozygotes.

Submissions (3):

Labcorp Genetics (formerly Invitae), Labcorp
Classification: Likely benign for Baller-Gerold syndrome. Last evaluated: 2026-01-10. Review status: criteria provided, single submitter. Criteria: Invitae Variant Classification Sherloc (09022015). Collection method: clinical testing. Allele origin: germline.

Blueprint Genetics
Classification: Likely benign. Last evaluated: 2023-09-12. Review status: criteria provided, single submitter. Criteria: ACMG Guidelines, 2015. Collection method: clinical testing. Allele origin: germline.

Sema4
Classification: Uncertain significance for Hereditary cancer-predisposing syndrome. Last evaluated: 2021-11-15. Review status: criteria provided, single submitter. Criteria: Sema4 Curation Guidelines. Collection method: curation. Allele origin: germline.
Comment: The RECQL4 c.1484-11G>A variant has not been reported in the literature to our knowledge. It was observed in 8/22095 chromosomes across all populations in the large and broad cohorts of the Genome Aggregation Database (PMID: 32461654), but has not been reported in ClinVar. In silico tools suggest the variant does not disrupt normal splicing, though these predictions have not been confirmed by functional studies. The evidence is insufficient to meet ACMG/AMP criteria for classifying the variant as benign or pathogenic. Thus, the clinical significance of this variant is currently uncertain.